The following is an entry in ClinVar:

ClinVar aggregate classification (germline): Likely pathogenic (1 of 4 stars; one submission).

Conditions:
Dilated cardiomyopathy 1G (CMD1G). Identifiers: Orphanet 154, MedGen C1858763, MONDO:0011400, OMIM 604145.
Autosomal recessive limb-girdle muscular dystrophy type 2J (LGMDR10). Also called: Limb-girdle muscular dystrophy, type 2J; MUSCULAR DYSTROPHY, LIMB-GIRDLE, AUTOSOMAL RECESSIVE 10. Identifiers: Orphanet 140922, MedGen C1837342, MONDO:0012127, OMIM 608807.

Submission:

Labcorp Genetics (formerly Invitae), Labcorp
Classification: Likely pathogenic for Dilated cardiomyopathy 1G; Autosomal recessive limb-girdle muscular dystrophy type 2J. Last evaluated: 2024-10-18. Review status: criteria provided, single submitter. Criteria: Invitae Variant Classification Sherloc (09022015). Collection method: clinical testing. Allele origin: germline.
Comment: This sequence change creates a premature translational stop signal (p.Tyr10321*) in the TTN gene. While this is not anticipated to result in nonsense mediated decay, it is expected to create a truncated TTN protein. This variant is not present in population databases (gnomAD no frequency). This variant has not been reported in the literature in individuals affected with TTN-related conditions. ClinVar contains an entry for this variant (Variation ID: 1393546). This variant is located in the I band of TTN (PMID: 25589632). Truncating variants in this region have been reported in individuals affected with autosomal recessive centronuclear myopathy (PMID: 23975875, internal data). Truncating variants in this region have also been identified in individuals affected with autosomal dominant dilated cardiomyopathy and/or cardio-related conditions (PMID: 27869827, 32964742, internal data). In summary, the currently available evidence indicates that the variant is pathogenic, but additional data are needed to prove that conclusively. Therefore, this variant has been classified as Likely Pathogenic.

Literature cited by the submitters: PubMed 25589632; PubMed 23975875; PubMed 27869827; PubMed 32964742.

NM_001267550.2(TTN):c.30963T>A (p.Tyr10321Ter)

Gene: TTN (titin; minus strand). Cytogenetic location: 2q31.2.
Variant type: single nucleotide variant.
Coding change: c.30963T>A on transcript NM_001267550.2 (MANE Select); coding-DNA position 30963, T replaced by A.
Protein change: p.Tyr10321Ter; replaces tyrosine 10321 with a stop codon.
Molecular consequence: nonsense. On other transcripts: intron variant (3).
Genome position (GRCh38, 1-based): chr2:178,696,109, A>T on the plus strand (T>A on the coding strand, the complement: TTN is on the minus strand). VCF-style: chr2-178696109-A-T. GRCh37 (hg19) VCF-style: chr2-179560836-A-T.
Other names: c.30012T>A, p.Tyr10004Ter (NM_001256850.1); c.27231T>A, p.Tyr9077Ter (NM_133378.4); c.13282+41973T>A (NM_003319.4); c.13858+41973T>A (NM_133437.4); c.13657+41973T>A (NM_133432.3); short protein forms Y10004*, Y10321*, Y9077*.
Identifiers: ClinVar variation 1393546 (VCV001393546.6), dbSNP rs1167073084, ClinGen allele CA349566126.